The following is an entry in ClinVar:

NM_002224.4(ITPR3):c.4225-3C>T

Gene: ITPR3 (inositol 1,4,5-trisphosphate receptor type 3; plus strand). Cytogenetic location: 6p21.31.
Variant type: single nucleotide variant.
Coding change: c.4225-3C>T on transcript NM_002224.4 (MANE Select); 3 bases into the intron before coding-DNA position 4225, C replaced by T.
Molecular consequence: intron variant.
Genome position (GRCh38, 1-based): chr6:33,680,326, C>T. VCF-style: chr6-33680326-C-T. GRCh37 (hg19) VCF-style: chr6-33648103-C-T.
Other names: NC_000006.11:g.33648103C>T.
Identifiers: ClinVar variation 712618 (VCV000712618.10), dbSNP rs202199707, ClinGen allele CA3761184.

ClinVar aggregate classification (germline): Likely benign. Review status: criteria provided, multiple submitters, no conflicts (2 of 4 stars). 4 submissions from 4 submitters: Likely benign (3). 1 of the submissions does not count toward it. Last evaluated 2026-07-01.

Conditions:
ITPR3-related disorder. Also called: ITPR3-related condition.

Allele frequency attached by ClinVar (database versions not stated): gnomAD exomes 0.00025 and 0.00066; ExAC 0.00061; gnomAD 0.00206 and 0.00225; 1000 Genomes Project 30x 0.00234; ESP Exome Variant Server 0.00238; TOPMed 0.00244; 1000 Genomes Project 0.00260.
gnomAD v4.1: 709 of 1,612,672 alleles (0.044%); highest among the groups gnomAD compares: African/African-American, 0.7%; 2 homozygotes.

Submissions (7):

CeGaT Center for Human Genetics Tuebingen
Classification: Likely benign. Last evaluated: 2026-07-01. Review status: criteria provided, single submitter. Criteria: CeGaT Center For Human Genetics Tuebingen Variant Classification Criteria Version 2. Collection method: clinical testing. Allele origin: germline. Affected: yes. Observed: 2 variant alleles.
Comment: ITPR3: BP4

Labcorp Genetics (formerly Invitae), Labcorp
Classification: Likely benign. Last evaluated: 2019-12-31. Review status: criteria provided, single submitter. Criteria: Invitae Variant Classification Sherloc (09022015). Collection method: clinical testing. Allele origin: germline.

Breakthrough Genomics
Classification: Likely benign. Review status: criteria provided, single submitter. Criteria: ACMG Guidelines, 2015. Collection method: not provided. Allele origin: germline. Inheritance: Autosomal recessive inheritance. Affected: yes.

PreventionGenetics, part of Exact Sciences
Classification: Likely benign for ITPR3-related condition. Last evaluated: 2019-06-06. Review status: no assertion criteria provided. Collection method: clinical testing. Allele origin: germline. Not counted in ClinVar's aggregate classification.
Comment: This variant is classified as likely benign based on ACMG/AMP sequence variant interpretation guidelines (Richards et al. 2015 PMID: 25741868, with internal and published modifications).

Dr. Peter K. Rogan Lab, Western University
No classification provided (evidence only). Condition: Uterine corpus endometrial carcinoma. Review status: no classification provided. Collection method: in vitro. Allele origin: not applicable. Functional consequence: retained intron. Not counted in ClinVar's aggregate classification.

Dr. Peter K. Rogan Lab, Western University
No classification provided (evidence only). Condition: Uterine corpus endometrial carcinoma. Review status: no classification provided. Collection method: in vitro. Allele origin: not applicable. Functional consequence: retained intron. Not counted in ClinVar's aggregate classification.

Dr. Peter K. Rogan Lab, Western University
No classification provided (evidence only). Condition: Cervical cancer. Review status: no classification provided. Collection method: in vitro. Allele origin: not applicable. Functional consequence: retained intron. Not counted in ClinVar's aggregate classification.